The following is an entry in ClinVar:

ClinVar aggregate classification (germline): Pathogenic (1 of 4 stars; one submission).

Conditions:
Hereditary cancer-predisposing syndrome. Also called: Hereditary neoplastic syndrome; Neoplastic Syndromes, Hereditary; Tumor predisposition; Hereditary Cancer Syndrome. Identifiers: Orphanet 140162, MedGen C0027672, MeSH D009386, MONDO:0015356.

gnomAD v4.1: 1 of 1,611,946 alleles (0.000062%); no homozygotes.

Submission:

Ambry Genetics
Classification: Pathogenic for Hereditary cancer-predisposing syndrome. Last evaluated: 2025-09-06. Review status: criteria provided, single submitter. Criteria: Ambry Variant Classification Scheme 2023. Collection method: clinical testing. Allele origin: germline.
Comment: The p.L282* pathogenic mutation (also known as c.845T>A), located in coding exon 6 of the NTHL1 gene, results from a T to A substitution at nucleotide position 845. This changes the amino acid from a leucine to a stop codon within coding exon 6. This alteration occurs at the 3' terminus of theNTHL1 gene, is not expected to trigger nonsense-mediated mRNA decay, and impacts the last 9.9% of the protein. However, premature stop codons are typically deleterious in nature and the impacted region is critical for protein function (Ambry internal data). Based on the supporting evidence, this variant is interpreted as a disease-causing mutation.

NM_002528.7(NTHL1):c.821T>A (p.Leu274Ter)

Gene: NTHL1 (nth like DNA glycosylase 1; minus strand). Cytogenetic location: 16p13.3.
Variant type: single nucleotide variant.
Coding change: c.821T>A on transcript NM_002528.7 (MANE Select); coding-DNA position 821, T replaced by A.
Protein change: p.Leu274Ter; replaces leucine 274 with a stop codon.
Molecular consequence: nonsense.
Genome position (GRCh38, 1-based): chr16:2,040,018, A>T on the plus strand (T>A on the coding strand, the complement: NTHL1 is on the minus strand). VCF-style: chr16-2040018-A-T. GRCh37 (hg19) VCF-style: chr16-2090019-A-T.
Other names: c.650T>A, p.Leu217Ter (NM_001318193.2); c.491T>A, p.Leu164Ter (NM_001318194.2); short protein forms L217*, L274*, L164*.
Identifiers: ClinVar variation 4123327 (VCV004123327.1).